The following is an entry in ClinVar:

NM_001330078.2(NRXN1):c.3344G>A (p.Ser1115Asn)

Gene: NRXN1 (neurexin 1; minus strand). Cytogenetic location: 2p16.3.
Variant type: single nucleotide variant.
Coding change: c.3344G>A on transcript NM_001330078.2 (MANE Select); coding-DNA position 3344, G replaced by A.
Protein change: p.Ser1115Asn; replaces serine 1115 with asparagine.
Molecular consequence: missense variant.
Genome position (GRCh38, 1-based): chr2:50,465,462, C>T on the plus strand (G>A on the coding strand, the complement: NRXN1 is on the minus strand). VCF-style: chr2-50465462-C-T. GRCh37 (hg19) VCF-style: chr2-50692600-C-T.
Other names: c.3464G>A, p.Ser1155Asn (NM_001135659.3); c.3320G>A, p.Ser1107Asn (NM_001330077.2, NM_001330082.2); c.3278G>A, p.Ser1093Asn (NM_001330083.2, NM_001330084.2); c.3317G>A, p.Ser1106Asn (NM_001330085.2); c.3344G>A, p.Ser1115Asn (NM_001330086.2, NM_004801.6); c.3233G>A, p.Ser1078Asn (NM_001330087.2, NM_001330096.2); c.3263G>A, p.Ser1088Asn (NM_001330088.2); c.3341G>A, p.Ser1114Asn (NM_001330093.2); and 2 more; short protein forms S1155N, S1098N, S1111N, S1078N, S1088N, S1093N, S1106N, S1107N.
Identifiers: ClinVar variation 129821 (VCV000129821.17), dbSNP rs201871194, ClinGen allele CA231342.

ClinVar aggregate classification (germline): Uncertain significance. Review status: criteria provided, multiple submitters, no conflicts (2 of 4 stars). 3 submissions from 3 submitters: Uncertain significance (3). Last evaluated 2025-09-02.

Conditions:
Inborn genetic diseases. Identifiers: MedGen C0950123, MeSH D030342.
Pitt-Hopkins-like syndrome 2 (PTHSL2). Identifiers: Orphanet 221150, Orphanet 600663, MedGen C3280479, MONDO:0013690, OMIM 614325.

Allele frequency attached by ClinVar (database versions not stated): gnomAD 0.00004 and 0.00005; ExAC 0.00009; TOPMed 0.00009; ESP Exome Variant Server 0.00016.
gnomAD v4.1: 116 of 1,610,038 alleles (0.0072%); highest among the groups gnomAD compares: Non-Finnish European, 0.0088%; no homozygotes.

Submissions (3):

Labcorp Genetics (formerly Invitae), Labcorp
Classification: Uncertain significance for Pitt-Hopkins-like syndrome 2. Last evaluated: 2025-09-02. Review status: criteria provided, single submitter. Criteria: Invitae Variant Classification Sherloc (09022015). Collection method: clinical testing. Allele origin: germline.
Comment: This sequence change replaces serine, which is neutral and polar, with asparagine, which is neutral and polar, at codon 1155 of the NRXN1 protein (p.Ser1155Asn). This variant is present in population databases (rs201871194, gnomAD 0.02%). This variant has not been reported in the literature in individuals affected with NRXN1-related conditions. ClinVar contains an entry for this variant (Variation ID: 129821). An algorithm developed to predict the effect of missense changes on protein structure and function (PolyPhen-2) suggests that this variant is likely to be tolerated. In summary, the available evidence is currently insufficient to determine the role of this variant in disease. Therefore, it has been classified as a Variant of Uncertain Significance.

Ambry Genetics
Classification: Uncertain significance for Inborn genetic diseases. Last evaluated: 2018-11-12. Review status: criteria provided, single submitter. Criteria: Ambry Variant Classification Scheme 2023. Collection method: clinical testing. Allele origin: germline.
Comment: The p.S1155N variant (also known as c.3464G>A), located in coding exon 17 of the NRXN1 gene, results from a G to A substitution at nucleotide position 3464. The serine at codon 1155 is replaced by asparagine, an amino acid with highly similar properties. This amino acid position is not well conserved in available vertebrate species. In addition, this alteration is predicted to be tolerated by in silico analysis. Since supporting evidence is limited at this time, the clinical significance of this alteration remains unclear.

Genetic Services Laboratory, University of Chicago
Classification: Uncertain significance. Last evaluated: 2014-01-15. Review status: criteria provided, single submitter. Criteria: ACMG Guidelines, 2007. Collection method: clinical testing. Allele origin: germline. Inheritance: Autosomal recessive inheritance.